The following is an entry in ClinVar:

NM_002529.4(NTRK1):c.2382_2389del (p.Leu795fs)

Gene: NTRK1 (neurotrophic receptor tyrosine kinase 1; plus strand). Cytogenetic location: 1q23.1.
Variant type: Deletion.
Coding change: c.2382_2389del on transcript NM_002529.4 (MANE Select); coding-DNA positions 2382 to 2389, 8 bases deleted (CCTGGGCT; older notation c.2382_2389delCCTGGGCT).
Protein change: p.Leu795fs; shifts the reading frame from leucine 795.
Molecular consequence: frameshift variant.
Genome position (GRCh38, 1-based): chr1:156,881,633-156,881,640, CCTGGGCT deleted; deleting any 8 consecutive bases within chr1:156,881,632-156,881,640 gives the same sequence; the c. name uses the placement nearest the transcript's 3' end. VCF-style (leftmost placement, unchanged base first): chr1-156881631-GTCCTGGGC-G. GRCh37 (hg19) VCF-style: chr1-156851423-GTCCTGGGC-G.
Other names: c.2274_2281del, p.Leu759fs (NM_001007792.1); c.2364_2371del, p.Leu789fs (NM_001012331.2); short protein forms L759fs, L789fs, L795fs.
Identifiers: ClinVar variation 5004197 (VCV005004197.1).
Genomic context (GRCh38, chr1:156,881,631, plus strand): 5'-ATCAAGGATGTGCACGCCCGGCTGCAAGCCCTGGCCCAGGCACCTCCTGTCTACCTGGAT[GTCCTGGGC>G]TAGGGGGCCGGCCCAGGGGCTGGGAGTGGTTAGCCGGAATACTGGGGCCTGCCCTCAGCA-3'

ClinVar aggregate classification (germline): Uncertain significance (1 of 4 stars; one submission).

Conditions:
Hereditary insensitivity to pain with anhidrosis (CIPA). Also called: NEUROPATHY, CONGENITAL SENSORY, WITH ANHIDROSIS; INSENSITIVITY TO PAIN, CONGENITAL, WITH ANHIDROSIS; FAMILIAL DYSAUTONOMIA, TYPE II; NTRK1 Congenital Insensitivity to Pain with Anhidrosis; hereditary sensory and autonomic neuropathy type 4; HSAN Type IV. Identifiers: Orphanet 642, MedGen C0020074, MONDO:0009746, OMIM 256800.

Submission:

Myriad Genetics, Inc.
Classification: Uncertain significance for Hereditary insensitivity to pain with anhidrosis. Last evaluated: 2025-09-29. Review status: criteria provided, single submitter. Criteria: Myriad Autosomal Dominant, Autosomal Recessive and X-Linked Classification Criteria (2023). Collection method: clinical testing. Allele origin: unknown.
Comment: NM_002529.3(NTRK1):c.2382_2389del8(L795Gfs*70) is a frameshift variant that results in protein elongation classified as a variant of uncertain significance in the context of congenital insensitivity to pain with anhidrosis, NTRK1-related. L795Gfs*70 has not been observed in cases with relevant disease. Relevant functional assessments of this variant are not available in the literature. L795Gfs*70 has not been observed in referenced population frequency databases. In summary, there is insufficient evidence to classify NM_002529.3(NTRK1):c.2382_2389del8(L795Gfs*70) as pathogenic or benign. Please note: this variant was assessed in the context of healthy population screening.